The following is an entry in ClinVar:

NM_017849.4(TMEM127):c.457C>G (p.Leu153Val)

Gene: TMEM127 (transmembrane protein 127; minus strand). Cytogenetic location: 2q11.2.
Variant type: single nucleotide variant.
Coding change: c.457C>G on transcript NM_017849.4 (MANE Select); coding-DNA position 457, C replaced by G.
Protein change: p.Leu153Val; replaces leucine 153 with valine.
Molecular consequence: missense variant.
Genome position (GRCh38, 1-based): chr2:96,254,068, G>C on the plus strand (C>G on the coding strand, the complement: TMEM127 is on the minus strand). VCF-style: chr2-96254068-G-C. GRCh37 (hg19) VCF-style: chr2-96919806-G-C.
Other names: c.457C>G, p.Leu153Val (NM_001193304.3); c.205C>G, p.Leu69Val (NM_001407282.1, NM_001407283.1); short protein forms L153V, L69V.
Identifiers: ClinVar variation 5030924 (VCV005030924.1).

ClinVar aggregate classification (germline): Uncertain significance (1 of 4 stars; one submission).

Conditions:
Hereditary cancer-predisposing syndrome. Also called: Neoplastic Syndromes, Hereditary; Tumor predisposition; Hereditary neoplastic syndrome; Hereditary Cancer Syndrome. Identifiers: Orphanet 140162, MedGen C0027672, MeSH D009386, MONDO:0015356.

Submission:

Ambry Genetics
Classification: Uncertain significance for Hereditary cancer-predisposing syndrome. Last evaluated: 2026-07-07. Review status: criteria provided, single submitter. Criteria: Ambry Variant Classification Scheme 2023. Collection method: clinical testing. Allele origin: germline.
Comment: The p.L153V variant (also known as c.457C>G), located in coding exon 3 of the TMEM127 gene, results from a C to G substitution at nucleotide position 457. The leucine at codon 153 is replaced by valine, an amino acid with highly similar properties. This amino acid position is conserved. In addition, this alteration is predicted to be deleterious by in silico analysis. Based on the available evidence, the clinical significance of this variant remains unclear.